The following is an entry in ClinVar:

NM_005159.5(ACTC1):c.796C>G (p.Pro266Ala)

Genes: ACTC1 (actin alpha cardiac muscle 1; minus strand), GJD2-DT (GJD2 divergent transcript; plus strand). Cytogenetic location: 15q14.
Variant type: single nucleotide variant.
Coding change: c.796C>G on transcript NM_005159.5 (MANE Select); coding-DNA position 796, C replaced by G.
Protein change: p.Pro266Ala; replaces proline 266 with alanine.
Molecular consequence: missense variant.
Genome position (GRCh38, 1-based): chr15:34,792,102, G>C on the plus strand (C>G on the coding strand, the complement: ACTC1 is on the minus strand). VCF-style: chr15-34792102-G-C. GRCh37 (hg19) VCF-style: chr15-35084303-G-C.
Other names: c.796C>G, p.Pro266Ala (NM_001406482.1, NM_001406483.1); c.661C>G, p.Pro221Ala (NM_001406484.1); c.355C>G, p.Pro119Ala (NM_001406485.1); short protein forms P266A, P119A, P221A.
Identifiers: ClinVar variation 4782548 (VCV004782548.1).

ClinVar aggregate classification (germline): Uncertain significance (1 of 4 stars; one submission).

Conditions:
Dilated cardiomyopathy 1R (CMD1R). Identifiers: Orphanet 154, Orphanet 54260, MedGen C3150681, MONDO:0013261, OMIM 613424.
Atrial septal defect 5 (ASD5). Identifiers: Orphanet 1478, MedGen C2748552, MONDO:0013011, OMIM 612794.
Hypertrophic cardiomyopathy 11. Also called: ACTC1-Related Familial Hypertrophic Cardiomyopathy. Identifiers: MedGen C2677506, MONDO:0012799, OMIM 612098.

Submission:

Labcorp Genetics (formerly Invitae), Labcorp
Classification: Uncertain significance for Dilated cardiomyopathy 1R; Hypertrophic cardiomyopathy 11; Atrial septal defect 5. Last evaluated: 2025-06-01. Review status: criteria provided, single submitter. Criteria: Invitae Variant Classification Sherloc (09022015). Collection method: clinical testing. Allele origin: germline.
Comment: This sequence change replaces proline, which is neutral and non-polar, with alanine, which is neutral and non-polar, at codon 266 of the ACTC1 protein (p.Pro266Ala). This variant is not present in population databases (gnomAD no frequency). This variant has not been reported in the literature in individuals affected with ACTC1-related conditions. Invitae Evidence Modeling of protein sequence and biophysical properties (such as structural, functional, and spatial information, amino acid conservation, physicochemical variation, residue mobility, and thermodynamic stability) indicates that this missense variant is expected to disrupt ACTC1 protein function with a positive predictive value of 80%. In summary, the available evidence is currently insufficient to determine the role of this variant in disease. Therefore, it has been classified as a Variant of Uncertain Significance.